The following is an entry in ClinVar:

NM_000551.4(VHL):c.38T>C (p.Val13Ala)

Gene: VHL (von Hippel-Lindau tumor suppressor; plus strand). Cytogenetic location: 3p25.3.
Variant type: single nucleotide variant.
Coding change: c.38T>C on transcript NM_000551.4 (MANE Select); coding-DNA position 38, T replaced by C.
Protein change: p.Val13Ala; replaces valine 13 with alanine.
Molecular consequence: missense variant.
Genome position (GRCh38, 1-based): chr3:10,141,885, T>C. VCF-style: chr3-10141885-T-C. GRCh37 (hg19) VCF-style: chr3-10183569-T-C.
Other names: c.38T>C, p.Val13Ala (NM_001354723.2, NM_198156.3); short protein forms V13A.
Identifiers: ClinVar variation 940981 (VCV000940981.13), dbSNP rs1553619289, ClinGen allele CA351747150.
Genomic context (GRCh38, chr3:10,141,885, plus strand): 5'-GGGTGGTCTGGATCGCGGAGGGAATGCCCCGGAGGGCGGAGAACTGGGACGAGGCCGAGG[T>C]AGGCGCGGAGGAGGCAGGCGTCGAAGAGTACGGCCCTGAAGAAGACGGCGGGGAGGAGTC-3'
Protein context (NP_000542.1, residues 3-23): RRAENWDEAE[Val13Ala]GAEEAGVEEY

ClinVar aggregate classification (germline): Conflicting classifications of pathogenicity. Review status: criteria provided, conflicting classifications (1 of 4 stars). 3 submissions from 3 submitters: Uncertain significance (2); Likely benign (1). Last evaluated 2025-08-24.

Conditions:
Von Hippel-Lindau syndrome (VHLS). Also called: VHL syndrome; Von Hippel-Lindau; von Hippel–Lindau syndrome. Identifiers: Orphanet 892, MedGen C0019562, MONDO:0008667, OMIM 193300. Disease mechanism: loss of function.
Hereditary cancer-predisposing syndrome. Also called: Tumor predisposition; Hereditary neoplastic syndrome; Neoplastic Syndromes, Hereditary; Hereditary Cancer Syndrome. Identifiers: Orphanet 140162, MedGen C0027672, MeSH D009386, MONDO:0015356.
Chuvash polycythemia. Also called: POLYCYTHEMIA, VHL-DEPENDENT. Identifiers: Orphanet 238557, MedGen C1837915, MONDO:0009892, OMIM 263400.

Allele frequency attached by ClinVar (database versions not stated): TOPMed below 0.00001.
gnomAD v4.1: 1 of 1,532,742 alleles (0.000065%); highest among the groups gnomAD compares: Non-Finnish European, 0.000088%; no homozygotes.

Submissions (3):

Color Diagnostics, LLC DBA Color Health
Classification: Uncertain significance for Von Hippel-Lindau syndrome. Last evaluated: 2025-08-24. Review status: criteria provided, single submitter. Criteria: ACMG Guidelines, 2015. Collection method: clinical testing. Allele origin: germline.
Comment: This missense variant replaces valine with alanine at codon 13 of the VHL protein. Computational prediction suggests that this variant may not impact protein structure and function. To our knowledge, functional studies have not been reported for this variant. This variant has not been reported in individuals affected with VHL-related disorders in the literature. This variant has not been identified in the general population by the Genome Aggregation Database (gnomAD). The available evidence is insufficient to determine the role of this variant in disease conclusively. Therefore, this variant is classified as a Variant of Uncertain Significance.

Labcorp Genetics (formerly Invitae), Labcorp
Classification: Uncertain significance for Von Hippel-Lindau syndrome; Chuvash polycythemia. Last evaluated: 2024-04-24. Review status: criteria provided, single submitter. Criteria: Invitae Variant Classification Sherloc (09022015). Collection method: clinical testing. Allele origin: germline.
Comment: This sequence change replaces valine, which is neutral and non-polar, with alanine, which is neutral and non-polar, at codon 13 of the VHL protein (p.Val13Ala). This variant is not present in population databases (gnomAD no frequency). This variant has not been reported in the literature in individuals affected with VHL-related conditions. ClinVar contains an entry for this variant (Variation ID: 940981). Advanced modeling of protein sequence and biophysical properties (such as structural, functional, and spatial information, amino acid conservation, physicochemical variation, residue mobility, and thermodynamic stability) performed at Invitae indicates that this missense variant is not expected to disrupt VHL protein function with a negative predictive value of 95%. In summary, the available evidence is currently insufficient to determine the role of this variant in disease. Therefore, it has been classified as a Variant of Uncertain Significance.

Ambry Genetics
Classification: Likely benign for Hereditary cancer-predisposing syndrome. Last evaluated: 2022-09-13. Review status: criteria provided, single submitter. Criteria: Ambry Variant Classification Scheme 2023. Collection method: clinical testing. Allele origin: germline.